The following is an entry in ClinVar:

NM_001375524.1(TRRAP):c.5273C>T (p.Ala1758Val)

Genes: TRRAP (transformation/transcription domain associated protein; plus strand), LOC126860121 (MED14-independent group 3 enhancer GRCh37_chr7:98547245-98548444; plus strand). Cytogenetic location: 7q22.1.
Variant type: single nucleotide variant.
Coding change: c.5273C>T on transcript NM_001375524.1 (MANE Select); coding-DNA position 5273, C replaced by T.
Protein change: p.Ala1758Val; replaces alanine 1758 with valine.
Molecular consequence: missense variant.
Genome position (GRCh38, 1-based): chr7:98,950,201, C>T. VCF-style: chr7-98950201-C-T. GRCh37 (hg19) VCF-style: chr7-98547824-C-T.
Other names: c.5252C>T, p.Ala1751Val (NM_001244580.2); c.5198C>T, p.Ala1733Val (NM_003496.4); short protein forms A1733V, A1751V, A1758V.
Identifiers: ClinVar variation 2428509 (VCV002428509.5), dbSNP rs1449220924, ClinGen allele CA368317521.

ClinVar aggregate classification (germline): Uncertain significance. Review status: criteria provided, multiple submitters, no conflicts (2 of 4 stars). 2 submissions from 2 submitters: Uncertain significance (2). Last evaluated 2024-12-12.

Allele frequency attached by ClinVar (database versions not stated): gnomAD exomes below 0.00001; gnomAD 0.00001; TOPMed 0.00001.
gnomAD v4.1: 5 of 1,614,068 alleles (0.00031%); highest among the groups gnomAD compares: African/African-American, 0.0027%; no homozygotes.

Submissions (2):

Labcorp Genetics (formerly Invitae), Labcorp
Classification: Uncertain significance. Last evaluated: 2024-12-12. Review status: criteria provided, single submitter. Criteria: Invitae Variant Classification Sherloc (09022015). Collection method: clinical testing. Allele origin: germline.
Comment: This sequence change replaces alanine, which is neutral and non-polar, with valine, which is neutral and non-polar, at codon 1733 of the TRRAP protein (p.Ala1733Val). This variant is not present in population databases (gnomAD no frequency). This variant has not been reported in the literature in individuals affected with TRRAP-related conditions. ClinVar contains an entry for this variant (Variation ID: 2428509). Invitae Evidence Modeling of protein sequence and biophysical properties (such as structural, functional, and spatial information, amino acid conservation, physicochemical variation, residue mobility, and thermodynamic stability) indicates that this missense variant is not expected to disrupt TRRAP protein function with a negative predictive value of 80%. In summary, the available evidence is currently insufficient to determine the role of this variant in disease. Therefore, it has been classified as a Variant of Uncertain Significance.

ARUP Laboratories, Molecular Genetics and Genomics, ARUP Laboratories
Classification: Uncertain significance. Last evaluated: 2022-03-04. Review status: criteria provided, single submitter. Criteria: ARUP Molecular Germline Variant Investigation Process 2021. Collection method: clinical testing. Allele origin: germline.